The following is an entry in ClinVar:

NM_018685.5(ANLN):c.1882_1883delinsCT (p.Thr628Leu)

Gene: ANLN (anillin, actin binding protein; plus strand). Cytogenetic location: 7p14.2.
Variant type: Indel.
Coding change: c.1882_1883delinsCT on transcript NM_018685.5 (MANE Select); coding-DNA positions 1882 to 1883, AC replaced by CT.
Protein change: p.Thr628Leu; replaces threonine 628 with leucine.
Molecular consequence: missense variant.
Genome position (GRCh38, 1-based): chr7:36,420,181-36,420,182, AC replaced by CT. VCF-style: chr7-36420181-AC-CT. GRCh37 (hg19) VCF-style: chr7-36459790-AC-CT.
Other names: c.1771_1772delinsCT, p.Thr591Leu (NM_001284301.3); c.1768_1769delinsCT, p.Thr590Leu (NM_001284302.3); short protein forms T590L, T591L, T628L.
Identifiers: ClinVar variation 4804211 (VCV004804211.1).

ClinVar aggregate classification (germline): Uncertain significance (1 of 4 stars; one submission).

Submission:

Labcorp Genetics (formerly Invitae), Labcorp
Classification: Uncertain significance. Last evaluated: 2025-12-02. Review status: criteria provided, single submitter. Criteria: Invitae Variant Classification Sherloc (09022015). Collection method: clinical testing. Allele origin: germline.
Comment: This sequence change replaces threonine, which is neutral and polar, with leucine, which is neutral and non-polar, at codon 628 of the ANLN protein (p.Thr628Leu). Information on the frequency of this variant in the gnomAD database is not available, as this variant may be reported differently in the database. This variant has not been reported in the literature in individuals affected with ANLN-related conditions. An algorithm developed to predict the effect of missense changes on protein structure and function (PolyPhen-2) suggests that this variant is likely to be tolerated. In summary, the available evidence is currently insufficient to determine the role of this variant in disease. Therefore, it has been classified as a Variant of Uncertain Significance.